The following is an entry in ClinVar:

NM_000268.4(NF2):c.838A>C (p.Ile280Leu)

Gene: NF2 (NF2, moesin-ezrin-radixin like (MERLIN) tumor suppressor; plus strand). Cytogenetic location: 22q12.2.
Variant type: single nucleotide variant.
Coding change: c.838A>C on transcript NM_000268.4 (MANE Select); coding-DNA position 838, A replaced by C.
Protein change: p.Ile280Leu; replaces isoleucine 280 with leucine.
Molecular consequence: missense variant. On other transcripts: non-coding transcript variant (1), intron variant (1).
Genome position (GRCh38, 1-based): chr22:29,665,017, A>C. VCF-style: chr22-29665017-A-C. GRCh37 (hg19) VCF-style: chr22-30061006-A-C.
Other names: c.724A>C, p.Ile242Leu (NM_001407053.1, NM_001407056.1); c.715A>C, p.Ile239Leu (NM_001407054.1, NM_001407058.1, NM_181829.3); c.712A>C, p.Ile238Leu (NM_001407055.1, NM_181828.3); c.703A>C, p.Ile235Leu (NM_001407057.1, NM_001407059.1); c.838A>C, p.Ile280Leu (NM_001407060.1, NM_001407066.1, NM_016418.5 and 2 more transcripts); c.580A>C, p.Ile194Leu (NM_001407062.1); c.589A>C, p.Ile197Leu (NM_001407063.1, NM_001407064.1, NM_181830.3 and 1 more transcripts); c.304A>C, p.Ile102Leu (NM_001407065.1); and 2 more; short protein forms I102L, I203L, I242L, I239L, I280L, I194L, I235L, I197L.
Identifiers: ClinVar variation 3404998 (VCV003404998.1).

ClinVar aggregate classification (germline): Uncertain significance (1 of 4 stars; one submission).

Conditions:
Hereditary cancer-predisposing syndrome. Also called: Neoplastic Syndromes, Hereditary; Tumor predisposition; Hereditary Cancer Syndrome; Hereditary neoplastic syndrome. Identifiers: Orphanet 140162, MedGen C0027672, MeSH D009386, MONDO:0015356.

Submission:

Ambry Genetics
Classification: Uncertain significance for Hereditary cancer-predisposing syndrome. Last evaluated: 2024-09-01. Review status: criteria provided, single submitter. Criteria: Ambry Variant Classification Scheme 2023. Collection method: clinical testing. Allele origin: germline.
Comment: The p.I280L variant (also known as c.838A>C), located in coding exon 9 of the NF2 gene, results from an A to C substitution at nucleotide position 838. The isoleucine at codon 280 is replaced by leucine, an amino acid with highly similar properties. This amino acid position is conserved. In addition, this alteration is predicted to be tolerated by in silico analysis. Based on the available evidence, the clinical significance of this variant remains unclear.